The following is an entry in ClinVar:

NM_000481.4(AMT):c.892G>A (p.Ala298Thr)

Gene: AMT (aminomethyltransferase; minus strand). Cytogenetic location: 3p21.31.
Variant type: single nucleotide variant.
Coding change: c.892G>A on transcript NM_000481.4 (MANE Select); coding-DNA position 892, G replaced by A.
Protein change: p.Ala298Thr; replaces alanine 298 with threonine.
Molecular consequence: missense variant. On other transcripts: non-coding transcript variant (1).
Genome position (GRCh38, 1-based): chr3:49,417,959, C>T on the plus strand (G>A on the coding strand, the complement: AMT is on the minus strand). VCF-style: chr3-49417959-C-T. GRCh37 (hg19) VCF-style: chr3-49455392-C-T.
Other names: c.760G>A, p.Ala254Thr (NM_001164710.2); c.724G>A, p.Ala242Thr (NM_001164711.2); c.892G>A, p.Ala298Thr (NM_001164712.2); short protein forms A298T, A242T, A254T.
Identifiers: ClinVar variation 858752 (VCV000858752.4), dbSNP rs2049028177, ClinGen allele CA352789618.

ClinVar aggregate classification (germline): Uncertain significance (1 of 4 stars; one submission).

Conditions:
Glycine encephalopathy. Also called: Nonketotic hyperglycinemia; Non-ketotic hyperglycinemia. Identifiers: Orphanet 407, MedGen C0751748, MONDO:0011612, HP:0008288.

Submission:

Labcorp Genetics (formerly Invitae), Labcorp
Classification: Uncertain significance for Glycine encephalopathy. Last evaluated: 2022-08-23. Review status: criteria provided, single submitter. Criteria: Invitae Variant Classification Sherloc (09022015). Collection method: clinical testing. Allele origin: germline.
Comment: This sequence change replaces alanine, which is neutral and non-polar, with threonine, which is neutral and polar, at codon 298 of the AMT protein (p.Ala298Thr). This variant is not present in population databases (gnomAD no frequency). This variant has not been reported in the literature in individuals affected with AMT-related conditions. ClinVar contains an entry for this variant (Variation ID: 858752). Advanced modeling of protein sequence and biophysical properties (such as structural, functional, and spatial information, amino acid conservation, physicochemical variation, residue mobility, and thermodynamic stability) performed at Invitae indicates that this missense variant is not expected to disrupt AMT protein function. In summary, the available evidence is currently insufficient to determine the role of this variant in disease. Therefore, it has been classified as a Variant of Uncertain Significance.